The following is an entry in ClinVar:

ClinVar aggregate classification (germline): Uncertain significance (1 of 4 stars; one submission).

Conditions:
Joubert syndrome 15 (JBTS15). Identifiers: Orphanet 475, MedGen C3280897, MONDO:0013763, OMIM 614464.

Allele frequency attached by ClinVar (database versions not stated): ExAC 0.00001; gnomAD 0.00001; gnomAD exomes 0.00001; TOPMed 0.00002.
gnomAD v4.1: 4 of 1,551,382 alleles (0.00026%); highest among the groups gnomAD compares: African/African-American, 0.0041%; no homozygotes.

Submission:

Labcorp Genetics (formerly Invitae), Labcorp
Classification: Uncertain significance for Joubert syndrome 15. Last evaluated: 2022-07-18. Review status: criteria provided, single submitter. Criteria: Invitae Variant Classification Sherloc (09022015). Collection method: clinical testing. Allele origin: germline.
Comment: This variant is present in population databases (rs782776244, gnomAD 0.01%). In summary, the available evidence is currently insufficient to determine the role of this variant in disease. Therefore, it has been classified as a Variant of Uncertain Significance. Algorithms developed to predict the effect of sequence changes on RNA splicing suggest that this variant may disrupt the consensus splice site. Algorithms developed to predict the effect of missense changes on protein structure and function (SIFT, PolyPhen-2, Align-GVGD) all suggest that this variant is likely to be disruptive. ClinVar contains an entry for this variant (Variation ID: 1376167). This variant has not been reported in the literature in individuals affected with CEP41-related conditions. This sequence change replaces aspartic acid, which is acidic and polar, with valine, which is neutral and non-polar, at codon 55 of the CEP41 protein (p.Asp55Val).

NM_018718.3(CEP41):c.164A>T (p.Asp55Val)

Gene: CEP41 (centrosomal protein 41; minus strand). Cytogenetic location: 7q32.2.
Variant type: single nucleotide variant.
Coding change: c.164A>T on transcript NM_018718.3 (MANE Select); coding-DNA position 164, A replaced by T.
Protein change: p.Asp55Val; replaces aspartic acid 55 with valine.
Molecular consequence: missense variant. On other transcripts: non-coding transcript variant (1).
Genome position (GRCh38, 1-based): chr7:130,412,222, T>A on the plus strand (A>T on the coding strand, the complement: CEP41 is on the minus strand). VCF-style: chr7-130412222-T-A. GRCh37 (hg19) VCF-style: chr7-130052063-T-A.
Other names: c.164A>T, p.Asp55Val (NM_001257158.2); c.116A>T, p.Asp39Val (NM_001257159.2); short protein forms D39V, D55V.
Identifiers: ClinVar variation 1376167 (VCV001376167.6), dbSNP rs782776244, ClinGen allele CA4485652.